The following is an entry in ClinVar:

NM_018489.3(ASH1L):c.4674C>T (p.His1558=)

Gene: ASH1L (ASH1 like histone lysine methyltransferase; minus strand). Cytogenetic location: 1q22.
Variant type: single nucleotide variant.
Coding change: c.4674C>T on transcript NM_018489.3 (MANE Select); coding-DNA position 4674, C replaced by T.
Protein change: p.His1558=; no amino-acid change (histidine 1558 retained).
Molecular consequence: synonymous variant.
Genome position (GRCh38, 1-based): chr1:155,478,196, G>A on the plus strand (C>T on the coding strand, the complement: ASH1L is on the minus strand). VCF-style: chr1-155478196-G-A. GRCh37 (hg19) VCF-style: chr1-155447987-G-A.
Other names: c.4674C>T, p.His1558= (NM_001366177.2).
Identifiers: ClinVar variation 3036658 (VCV003036658.2), dbSNP rs747507992, ClinGen allele CA1146901.

ClinVar aggregate classification (germline): Likely benign (0 of 4 stars; one submission).

Conditions:
ASH1L-related disorder. Also called: ASH1L-related condition.

Allele frequency attached by ClinVar (database versions not stated): ExAC 0.00001; gnomAD 0.00003; gnomAD exomes 0.00003; TOPMed 0.00003.
gnomAD v4.1: 53 of 1,614,038 alleles (0.0033%); highest among the groups gnomAD compares: Non-Finnish European, 0.0044%; no homozygotes.

Submission:

PreventionGenetics, part of Exact Sciences
Classification: Likely benign for ASH1L-related condition. Last evaluated: 2020-10-01. Review status: no assertion criteria provided. Collection method: clinical testing. Allele origin: germline.
Comment: This variant is classified as likely benign based on ACMG/AMP sequence variant interpretation guidelines (Richards et al. 2015 PMID: 25741868, with internal and published modifications).